The following is an entry in ClinVar:

NM_000388.4(CASR):c.1906A>G (p.Lys636Glu)

Gene: CASR (calcium sensing receptor; plus strand). Cytogenetic location: 3q21.1.
Variant type: single nucleotide variant.
Coding change: c.1906A>G on transcript NM_000388.4 (MANE Select); coding-DNA position 1906, A replaced by G.
Protein change: p.Lys636Glu; replaces lysine 636 with glutamic acid.
Molecular consequence: missense variant.
Genome position (GRCh38, 1-based): chr3:122,283,860, A>G. VCF-style: chr3-122283860-A-G. GRCh37 (hg19) VCF-style: chr3-122002707-A-G.
Other names: c.1936A>G, p.Lys646Glu (NM_001178065.2); short protein forms K636E, K646E.
Identifiers: ClinVar variation 1782390 (VCV001782390.2), dbSNP rs779019180, ClinGen allele CA2569759.

ClinVar aggregate classification (germline): Uncertain significance (1 of 4 stars; one submission).

Conditions:
Nephrolithiasis/nephrocalcinosis. Identifiers: MedGen CN580796.

Allele frequency attached by ClinVar (database versions not stated): ExAC 0.00001.
gnomAD v4.1: 10 of 1,613,852 alleles (0.00062%); highest among the groups gnomAD compares: Non-Finnish European, 0.00085%; no homozygotes.

Submission:

Ambry Genetics
Classification: Uncertain significance for Nephrolithiasis/nephrocalcinosis. Last evaluated: 2024-01-09. Review status: criteria provided, single submitter. Criteria: Ambry Variant Classification Scheme 2023. Collection method: clinical testing. Allele origin: germline.
Comment: The p.K636E variant (also known as c.1906A>G), located in coding exon 6 of the CASR gene, results from an A to G substitution at nucleotide position 1906. The lysine at codon 636 is replaced by glutamic acid, an amino acid with similar properties. This amino acid position is well conserved in available vertebrate species. In addition, this alteration is predicted to be deleterious by in silico analysis. Since supporting evidence is limited at this time, the clinical significance of this alteration remains unclear.